The following is an entry in ClinVar:

NM_001558.4(IL10RA):c.1051A>G (p.Arg351Gly)

Gene: IL10RA (interleukin 10 receptor subunit alpha; plus strand). Cytogenetic location: 11q23.3.
Variant type: single nucleotide variant.
Coding change: c.1051A>G on transcript NM_001558.4 (MANE Select); coding-DNA position 1051, A replaced by G.
Protein change: p.Arg351Gly; replaces arginine 351 with glycine.
Molecular consequence: missense variant. On other transcripts: non-coding transcript variant (1).
Genome position (GRCh38, 1-based): chr11:117,998,955, A>G. VCF-style: chr11-117998955-A-G. GRCh37 (hg19) VCF-style: chr11-117869670-A-G.
Other names: short protein forms R351G.
Identifiers: ClinVar variation 302554 (VCV000302554.27), dbSNP rs2229113, ClinGen allele CA6299109.

ClinVar aggregate classification (germline): Benign/Likely benign. Review status: criteria provided, multiple submitters, no conflicts (2 of 4 stars). 10 submissions from 10 submitters: Benign (7); Likely benign (1). 2 of the submissions do not count toward it. Last evaluated 2026-02-04.

Conditions:
Inflammatory bowel disease 28. Also called: Inflammatory bowel disease 28, early onset, autosomal recessive. Identifiers: Orphanet 238569, MedGen C2751053, MONDO:0013153, OMIM 613148.

Allele frequency attached by ClinVar (database versions not stated): gnomAD exomes 0.70222 and 0.74318; ESP Exome Variant Server 0.72845; gnomAD 0.73756 and 0.74090; ExAC 0.73814; TOPMed 0.75966; 1000 Genomes Project 0.81110; 1000 Genomes Project 30x 0.81324.
gnomAD v4.1: 1,139,754 of 1,612,978 alleles (71%); highest among the groups gnomAD compares: East Asian, 100%; 406,779 homozygotes.

Submissions (10):

Labcorp Genetics (formerly Invitae), Labcorp
Classification: Benign for Inflammatory bowel disease 28. Last evaluated: 2026-02-04. Review status: criteria provided, single submitter. Criteria: Invitae Variant Classification Sherloc (09022015). Collection method: clinical testing. Allele origin: germline.

Blueprint Genetics
Classification: Likely benign. Last evaluated: 2024-11-27. Review status: criteria provided, single submitter. Criteria: ACMG Guidelines, 2015. Collection method: clinical testing. Allele origin: germline.

Unidad de Genómica Garrahan, Hospital de Pediatría Garrahan
Classification: Benign. Last evaluated: 2023-11-12. Review status: criteria provided, single submitter. Criteria: ACMG Guidelines, 2015. Collection method: clinical testing. Allele origin: germline. Affected: no. Observed: 93 variant alleles.
Comment: This variant is classified as Benign based on local population frequency. This variant was detected in 97% of patients studied by a panel of primary immunodeficiencies. Number of patients: 93. Only high quality variants are reported.

GeneDx
Classification: Benign. Last evaluated: 2019-05-19. Review status: criteria provided, single submitter. Criteria: GeneDx Variant Classification Process June 2021. Collection method: clinical testing. Allele origin: germline. Affected: yes.
Comment: This variant is associated with the following publications: (PMID: 17066477, 19772791, 19016528, 18800073, 21654841, 24595243, 23455702, 12759436, 29248579)

Mayo Clinic Laboratories, Mayo Clinic
Classification: Benign. Last evaluated: 2018-03-22. Review status: criteria provided, single submitter. Criteria: ACMG Guidelines, 2015. Collection method: clinical testing. Allele origin: germline. Observed: 1,204 variant alleles.

Illumina Laboratory Services, Illumina
Classification: Benign for Inflammatory bowel disease 28. Last evaluated: 2018-03-06. Review status: criteria provided, single submitter. Criteria: ICSL Variant Classification Criteria 13 December 2019. Collection method: clinical testing. Allele origin: germline.
Comment: This variant was observed in the ICSL laboratory as part of a predisposition screen in an ostensibly healthy population. It had not been previously curated by ICSL or reported in the Human Gene Mutation Database (HGMD: prior to June 1st, 2018), and was therefore a candidate for classification through an automated scoring system. Utilizing variant allele frequency, disease prevalence and penetrance estimates, and inheritance mode, an automated score was calculated to assess if this variant is too frequent to cause the disease. Based on the score and internal cut-off values, a variant classified as benign is not then subjected to further curation. The score for this variant resulted in a classification of benign for this disease.

Laboratory for Molecular Medicine, Mass General Brigham Personalized Medicine
Classification: Benign. Last evaluated: 2016-03-28. Review status: criteria provided, single submitter. Criteria: LMM Criteria. Collection method: clinical testing. Allele origin: germline.
Comment: Variant identified in a genome or exome case(s) and assessed due to predicted null impact of the variant or pathogenic assertions in the literature or databases. Disclaimer: This variant has not undergone full assessment. The following are preliminary notes: Frequency

Breakthrough Genomics
Classification: Benign. Review status: criteria provided, single submitter. Criteria: ACMG Guidelines, 2015. Collection method: not provided. Allele origin: germline. Inheritance: Autosomal recessive inheritance. Affected: yes.

Diagnostic Laboratory, Department of Genetics, University Medical Center Groningen
Classification: Benign. Review status: no assertion criteria provided. Collection method: clinical testing. Allele origin: germline. Affected: yes. Study: VKGL Data-share Consensus. Not counted in ClinVar's aggregate classification.

Genome Diagnostics Laboratory, University Medical Center Utrecht
Classification: Benign. Review status: no assertion criteria provided. Collection method: clinical testing. Allele origin: germline. Affected: yes. Study: VKGL Data-share Consensus. Not counted in ClinVar's aggregate classification.